The following is an entry in ClinVar:

NM_000199.5(SGSH):c.398C>G (p.Pro133Arg)

Gene: SGSH (N-sulfoglucosamine sulfohydrolase; minus strand). Cytogenetic location: 17q25.3.
Variant type: single nucleotide variant.
Coding change: c.398C>G on transcript NM_000199.5 (MANE Select); coding-DNA position 398, C replaced by G.
Protein change: p.Pro133Arg; replaces proline 133 with arginine.
Molecular consequence: missense variant. On other transcripts: non-coding transcript variant (1).
Genome position (GRCh38, 1-based): chr17:80,214,723, G>C on the plus strand (C>G on the coding strand, the complement: SGSH is on the minus strand). VCF-style: chr17-80214723-G-C. GRCh37 (hg19) VCF-style: chr17-78188522-G-C.
Other names: c.398C>G, p.Pro133Arg (NM_001352921.3, NM_001352922.2); short protein forms P133R.
Identifiers: ClinVar variation 3716158 (VCV003716158.2).

ClinVar aggregate classification (germline): Uncertain significance (1 of 4 stars; one submission).

Conditions:
Mucopolysaccharidosis, MPS-III-A (MPS3A). Also called: HEPARAN SULFATE SULFATASE DEFICIENCY; SANFILIPPO SYNDROME A; SULFAMIDASE DEFICIENCY; MPS III A; Mucopolysaccharidosis type IIIA (Sanfilippo A); Mucopolysaccharidosis, type IIIA. Identifiers: Orphanet 581, Orphanet 79269, MedGen C0086647, MONDO:0009655, OMIM 252900.

Submission:

Labcorp Genetics (formerly Invitae), Labcorp
Classification: Uncertain significance for Mucopolysaccharidosis, MPS-III-A. Last evaluated: 2024-06-30. Review status: criteria provided, single submitter. Criteria: Invitae Variant Classification Sherloc (09022015). Collection method: clinical testing. Allele origin: germline.
Comment: This sequence change replaces proline, which is neutral and non-polar, with arginine, which is basic and polar, at codon 133 of the SGSH protein (p.Pro133Arg). This variant is not present in population databases (gnomAD no frequency). This variant has not been reported in the literature in individuals affected with SGSH-related conditions. Advanced modeling of protein sequence and biophysical properties (such as structural, functional, and spatial information, amino acid conservation, physicochemical variation, residue mobility, and thermodynamic stability) has been performed at Invitae for this missense variant, however the output from this modeling did not meet the statistical confidence thresholds required to predict the impact of this variant on SGSH protein function. In summary, the available evidence is currently insufficient to determine the role of this variant in disease. Therefore, it has been classified as a Variant of Uncertain Significance.